The following is an entry in ClinVar:

NM_001256864.2(DNAJC6):c.2407C>A (p.Pro803Thr)

Gene: DNAJC6 (DnaJ heat shock protein family (Hsp40) member C6; plus strand). Cytogenetic location: 1p31.3.
Variant type: single nucleotide variant.
Coding change: c.2407C>A on transcript NM_001256864.2 (MANE Select); coding-DNA position 2407, C replaced by A.
Protein change: p.Pro803Thr; replaces proline 803 with threonine.
Molecular consequence: missense variant.
Genome position (GRCh38, 1-based): chr1:65,406,049, C>A. VCF-style: chr1-65406049-C-A. GRCh37 (hg19) VCF-style: chr1-65871732-C-A.
Other names: c.2197C>A, p.Pro733Thr (NM_001256865.2); c.2236C>A, p.Pro746Thr (NM_014787.4); short protein forms P733T, P746T, P803T.
Identifiers: ClinVar variation 3774113 (VCV003774113.1).

ClinVar aggregate classification (germline): Uncertain significance (1 of 4 stars; one submission).

gnomAD v4.1: 8 of 1,614,194 alleles (0.0005%); highest among the groups gnomAD compares: Non-Finnish European, 0.00068%; no homozygotes.

Submission:

GeneDx
Classification: Uncertain significance. Last evaluated: 2024-09-20. Review status: criteria provided, single submitter. Criteria: GeneDx Variant Classification Process June 2021. Collection method: clinical testing. Allele origin: germline. Affected: yes.
Comment: Not observed at significant frequency in large population cohorts (gnomAD); In silico analysis indicates that this missense variant does not alter protein structure/function; Has not been previously published as pathogenic or benign to our knowledge